The following is an entry in ClinVar:

ClinVar aggregate classification (germline): Uncertain significance (1 of 4 stars; one submission).

Allele frequency attached by ClinVar (database versions not stated): gnomAD exomes below 0.00001; 1000 Genomes Project 30x 0.00016; 1000 Genomes Project 0.00020.
gnomAD v4.1: 2 of 1,613,678 alleles (0.00012%); highest among the groups gnomAD compares: African/African-American, 0.0027%; no homozygotes.

Submission:

GeneDx
Classification: Uncertain significance. Last evaluated: 2022-06-07. Review status: criteria provided, single submitter. Criteria: GeneDx Variant Classification Process June 2021. Collection method: clinical testing. Allele origin: germline. Affected: yes.
Comment: Not observed at significant frequency in large population cohorts (gnomAD); In silico analysis supports that this missense variant has a deleterious effect on protein structure/function; Has not been previously published as pathogenic or benign to our knowledge

NM_003024.3(ITSN1):c.2287C>G (p.Pro763Ala)

Gene: ITSN1 (intersectin 1; plus strand). Cytogenetic location: 21q22.11.
Variant type: single nucleotide variant.
Coding change: c.2287C>G on transcript NM_003024.3 (MANE Select); coding-DNA position 2287, C replaced by G.
Protein change: p.Pro763Ala; replaces proline 763 with alanine.
Molecular consequence: missense variant.
Genome position (GRCh38, 1-based): chr21:33,799,912, C>G. VCF-style: chr21-33799912-C-G. GRCh37 (hg19) VCF-style: chr21-35172216-C-G.
Other names: c.2287C>G, p.Pro763Ala (NM_001001132.2, NM_001331008.2, NM_001331009.2 and 2 more transcripts); c.2176C>G, p.Pro726Ala (NM_001331012.2); short protein forms P726A, P763A.
Identifiers: ClinVar variation 1803404 (VCV001803404.1), dbSNP rs201107589, ClinGen allele CA320198614.
Genomic context (GRCh38, chr21:33,799,912, plus strand): 5'-GTGTATTACCGGGCACTGTACCCCTTTGAATCCAGAAGCCATGATGAAATCACTATCCAG[C>G]CAGGAGACATAGTCATGGTAAGAAAGACTCCAGTGAGAGGGTCATTTCTGTTGAAGATTA-3'
Protein context (NP_003015.2, residues 753-773): SRSHDEITIQ[Pro763Ala]GDIVMVKGEW